The following is an entry in ClinVar:

NM_001283009.2(RTEL1):c.3083A>G (p.His1028Arg)

Genes: RTEL1 (regulator of telomere elongation helicase 1; plus strand), RTEL1-TNFRSF6B (RTEL1-TNFRSF6B readthrough (NMD candidate); plus strand). Cytogenetic location: 20q13.33.
Variant type: single nucleotide variant.
Coding change: c.3083A>G on transcript NM_001283009.2 (MANE Select); coding-DNA position 3083, A replaced by G.
Protein change: p.His1028Arg; replaces histidine 1028 with arginine.
Molecular consequence: missense variant. On other transcripts: non-coding transcript variant (1).
Genome position (GRCh38, 1-based): chr20:63,694,462, A>G. VCF-style: chr20-63694462-A-G. GRCh37 (hg19) VCF-style: chr20-62325815-A-G.
Other names: c.2414A>G, p.His805Arg (NM_001283010.1); c.3083A>G, p.His1028Arg (NM_016434.4); c.3155A>G, p.His1052Arg (NM_032957.5); short protein forms H1028R, H1052R, H805R.
Identifiers: ClinVar variation 3948472 (VCV003948472.1).
Genomic context (GRCh38, chr20:63,694,462, plus strand): 5'-TGTCCACGGCTGCAGCCCAGCAGCTGGACCCCCAAGAGCACCTGAACCAGGGCAGGCCCC[A>G]CCTGTCGCCCAGGCCACCCCCAACAGGTAGCTGACTCCTGAACCGTGTGCAGCCTACGAC-3'
Protein context (NP_001269938.1, residues 1018-1038): PQEHLNQGRP[His1028Arg]LSPRPPPTGD

ClinVar aggregate classification (germline): Uncertain significance (1 of 4 stars; one submission).

Conditions:
Inborn genetic diseases. Identifiers: MedGen C0950123, MeSH D030342.

Submission:

Ambry Genetics
Classification: Uncertain significance for Inborn genetic diseases. Last evaluated: 2025-06-08. Review status: criteria provided, single submitter. Criteria: Ambry Variant Classification Scheme 2023. Collection method: clinical testing. Allele origin: germline.
Comment: The p.H1028R variant (also known as c.3083A>G), located in coding exon 30 of the RTEL1 gene, results from an A to G substitution at nucleotide position 3083. The histidine at codon 1028 is replaced by arginine, an amino acid with highly similar properties. This amino acid position is conserved. In addition, the in silico prediction for this alteration is inconclusive. Based on the available evidence, the clinical significance of this variant remains unclear.